The following is an entry in ClinVar:

ClinVar aggregate classification (germline): Uncertain significance (1 of 4 stars; one submission).

Conditions:
Hypertrophic cardiomyopathy. Also called: HYPERTROPHIC MYOCARDIOPATHY. Identifiers: Orphanet 217569, MedGen C0007194, MeSH D002312, MONDO:0005045, HP:0001639.

Submission:

Labcorp Genetics (formerly Invitae), Labcorp
Classification: Uncertain significance for Hypertrophic cardiomyopathy. Last evaluated: 2024-04-04. Review status: criteria provided, single submitter. Criteria: Invitae Variant Classification Sherloc (09022015). Collection method: clinical testing. Allele origin: germline.
Comment: This sequence change replaces glutamine, which is neutral and polar, with leucine, which is neutral and non-polar, at codon 315 of the MYH7 protein (p.Gln315Leu). This variant is not present in population databases (gnomAD no frequency). This variant has not been reported in the literature in individuals affected with MYH7-related conditions. Advanced modeling of protein sequence and biophysical properties (such as structural, functional, and spatial information, amino acid conservation, physicochemical variation, residue mobility, and thermodynamic stability) performed at Invitae indicates that this missense variant is expected to disrupt MYH7 protein function with a positive predictive value of 95%. In summary, the available evidence is currently insufficient to determine the role of this variant in disease. Therefore, it has been classified as a Variant of Uncertain Significance.

NM_000257.4(MYH7):c.944A>T (p.Gln315Leu)

Gene: MYH7 (myosin heavy chain 7; minus strand). Cytogenetic location: 14q11.2.
Variant type: single nucleotide variant.
Coding change: c.944A>T on transcript NM_000257.4 (MANE Select); coding-DNA position 944, A replaced by T.
Protein change: p.Gln315Leu; replaces glutamine 315 with leucine.
Molecular consequence: missense variant.
Genome position (GRCh38, 1-based): chr14:23,430,615, T>A on the plus strand (A>T on the coding strand, the complement: MYH7 is on the minus strand). VCF-style: chr14-23430615-T-A. GRCh37 (hg19) VCF-style: chr14-23899824-T-A.
Other names: c.944A>T, p.Gln315Leu (NM_001407004.1); short protein forms Q315L.
Identifiers: ClinVar variation 3636052 (VCV003636052.2).